The following is an entry in ClinVar:

ClinVar aggregate classification (germline): Pathogenic. Review status: reviewed by expert panel (3 of 4 stars). 2 submissions from 2 submitters: Pathogenic (1). 1 of the submissions does not count toward it. Last evaluated 2016-10-18.

Conditions:
Breast-ovarian cancer, familial, susceptibility to, 1 (BROVCA1). Also called: BRCA1 Hereditary Breast and Ovarian Cancer; OVARIAN CANCER, SUSCEPTIBILITY TO. Identifiers: Orphanet 145, MedGen C2676676, MONDO:0011450, OMIM 604370. Disease mechanism: loss of function.

Submissions (2):

Evidence-based Network for the Interpretation of Germline Mutant Alleles (ENIGMA)
Classification: Pathogenic for Breast-ovarian cancer, familial, susceptibility to, 1. Last evaluated: 2016-10-18. Review status: reviewed by expert panel. Criteria: ENIGMA BRCA1/2 Classification Criteria (2015). Collection method: curation. Allele origin: germline.
Comment: Variant allele predicted to encode a truncated non-functional protein.

Consortium of Investigators of Modifiers of BRCA1/2 (CIMBA), c/o University of Cambridge
Classification: Pathogenic for Breast-ovarian cancer, familial, susceptibility to, 1. Last evaluated: 2015-10-02. Review status: criteria provided, single submitter. Criteria: CIMBA Mutation Classification guidelines May 2016. Collection method: clinical testing. Allele origin: germline. Not counted in ClinVar's aggregate classification.

NM_007294.4(BRCA1):c.2532_2536del (p.Ser844fs)

Gene: BRCA1 (BRCA1 DNA repair associated; minus strand). Cytogenetic location: 17q21.31.
Variant type: Deletion.
Coding change: c.2532_2536del on transcript NM_007294.4 (MANE Select); coding-DNA positions 2532 to 2536, 5 bases deleted (CATAG; older notation c.2532_2536delCATAG).
Protein change: p.Ser844fs; shifts the reading frame from serine 844.
Molecular consequence: frameshift variant. On other transcripts: intron variant (137).
Genome position (GRCh38, 1-based): chr17:43,092,995-43,092,999, CTATG deleted on the plus strand (CATAG on the coding strand, the reverse complement: BRCA1 is on the minus strand); deleting any 5 consecutive bases within chr17:43,092,995-43,093,001 gives the same sequence; the c. name uses the placement nearest the transcript's 3' end. VCF-style (leftmost placement, unchanged base first): chr17-43092994-TCTATG-T. GRCh37 (hg19) VCF-style: chr17-41245011-TCTATG-T.
Other names: 2651delCATAG; c.2532_2536del, p.Ser844fs (NM_001407652.1, NM_001407684.1, NM_001407854.1 and 30 more transcripts); c.2454_2458del, p.Ser818fs (NM_001407653.1, NM_001407654.1, NM_001407655.1 and 4 more transcripts); c.2451_2455del, p.Ser817fs (NM_001407659.1, NM_001407660.1, NM_001407661.1 and 1 more transcripts); c.2409_2413del, p.Ser803fs (NM_001407664.1, NM_001407665.1, NM_001407666.1 and 19 more transcripts); c.2406_2410del, p.Ser802fs (NM_001407670.1, NM_001407671.1, NM_001407672.1 and 11 more transcripts); c.2391_2395del, p.Ser797fs (NM_001407692.1, NM_001407694.1, NM_001407695.1 and 29 more transcripts); c.2388_2392del, p.Ser796fs (NM_001407740.1, NM_001407741.1, NM_001407742.1 and 20 more transcripts); and 43 more; short protein forms S844fs, S797fs, S717fs, S777fs, S841fs, S548fs, S676fs, S755fs.
Identifiers: ClinVar variation 266275 (VCV000266275.6), dbSNP rs886040047, ClinGen allele CA10589840.